The following is an entry in ClinVar:

NM_001166108.2(PALLD):c.868C>A (p.Leu290Met)

Gene: PALLD (palladin, cytoskeletal associated protein; plus strand). Cytogenetic location: 4q32.3.
Variant type: single nucleotide variant.
Coding change: c.868C>A on transcript NM_001166108.2 (MANE Select); coding-DNA position 868, C replaced by A.
Protein change: p.Leu290Met; replaces leucine 290 with methionine.
Molecular consequence: missense variant.
Genome position (GRCh38, 1-based): chr4:168,512,372, C>A. VCF-style: chr4-168512372-C-A. GRCh37 (hg19) VCF-style: chr4-169433523-C-A.
Other names: c.868C>A, p.Leu290Met (NM_016081.4); short protein forms L290M.
Identifiers: ClinVar variation 1764309 (VCV001764309.2), dbSNP rs2531437579, ClinGen allele CA358728547.

ClinVar aggregate classification (germline): Uncertain significance (1 of 4 stars; one submission).

gnomAD v4.1: 1 of 1,613,882 alleles (0.000062%); highest among the groups gnomAD compares: Non-Finnish European, 0.000085%; no homozygotes.

Submission:

Ambry Genetics
Classification: Uncertain significance. Last evaluated: 2021-12-06. Review status: criteria provided, single submitter. Criteria: Ambry Variant Classification Scheme 2023. Collection method: clinical testing. Allele origin: germline.
Comment: The p.L290M variant (also known as c.868C>A), located in coding exon 1 of the PALLD gene, results from a C to A substitution at nucleotide position 868. The leucine at codon 290 is replaced by methionine, an amino acid with highly similar properties. This amino acid position is conserved. In addition, the in silico prediction for this alteration is inconclusive. Since supporting evidence is limited at this time, the clinical significance of this alteration remains unclear.